The following is an entry in ClinVar:

ClinVar aggregate classification (germline): Likely pathogenic. Review status: criteria provided, single submitter (1 of 4 stars). 2 submissions from 2 submitters: Likely pathogenic (1). 1 of the submissions does not count toward it. Last evaluated 2024-06-20.

Conditions:
Multiple epiphyseal dysplasia. Also called: Multiple epiphyseal dysplasia (disease). Identifiers: Orphanet 251, MedGen C0026760, MONDO:0016648, HP:0002654.

Submissions (2):

Labcorp Genetics (formerly Invitae), Labcorp
Classification: Likely pathogenic. Last evaluated: 2024-06-20. Review status: criteria provided, single submitter. Criteria: Invitae Variant Classification Sherloc (09022015). Collection method: clinical testing. Allele origin: germline.
Comment: This sequence change replaces glutamic acid, which is acidic and polar, with lysine, which is basic and polar, at codon 134 of the MATN3 protein (p.Glu134Lys). This variant is not present in population databases (gnomAD no frequency). This missense change has been observed in individuals with clinical features of multiple epiphyseal dysplasia (PMID: 14729835, 34092239; Invitae). ClinVar contains an entry for this variant (Variation ID: 1675209). Advanced modeling of protein sequence and biophysical properties (such as structural, functional, and spatial information, amino acid conservation, physicochemical variation, residue mobility, and thermodynamic stability) has been performed at Invitae for this missense variant, however the output from this modeling did not meet the statistical confidence thresholds required to predict the impact of this variant on MATN3 protein function. Experimental studies have shown that this missense change affects MATN3 function (PMID: 16287128). In summary, the currently available evidence indicates that the variant is pathogenic, but additional data are needed to prove that conclusively. Therefore, this variant has been classified as Likely Pathogenic.

GeneReviews
No classification provided. Condition: Multiple epiphyseal dysplasia. Review status: no classification provided. Collection method: literature only. Allele origin: germline. Not counted in ClinVar's aggregate classification.

Literature cited by the submitters: PubMed 14729835 (cited by Labcorp Genetics (formerly Invitae), Labcorp); PubMed 34092239 (cited by Labcorp Genetics (formerly Invitae), Labcorp); PubMed 16287128 (cited by Labcorp Genetics (formerly Invitae), Labcorp); NCBI Bookshelf NBK1123 (cited by GeneReviews).

NM_002381.5(MATN3):c.400G>A (p.Glu134Lys)

Gene: MATN3 (matrilin 3; minus strand). Cytogenetic location: 2p24.1.
Variant type: single nucleotide variant.
Coding change: c.400G>A on transcript NM_002381.5 (MANE Select); coding-DNA position 400, G replaced by A.
Protein change: p.Glu134Lys; replaces glutamic acid 134 with lysine.
Molecular consequence: missense variant.
Genome position (GRCh38, 1-based): chr2:20,006,134, C>T on the plus strand (G>A on the coding strand, the complement: MATN3 is on the minus strand). VCF-style: chr2-20006134-C-T. GRCh37 (hg19) VCF-style: chr2-20205895-C-T.
Other names: short protein forms E134K.
Identifiers: ClinVar variation 1675209 (VCV001675209.7), dbSNP rs2103484088, ClinGen allele CA345951176.